The following is an entry in ClinVar:

ClinVar aggregate classification (germline): Uncertain significance. Review status: criteria provided, multiple submitters, no conflicts (2 of 4 stars). 2 submissions from 2 submitters: Uncertain significance (2). Last evaluated 2025-05-02.

Conditions:
Nemaline myopathy 8 (NEM8). Also called: Nemaline myopathy 8, autosomal recessive. Identifiers: Orphanet 171430, MedGen C3809209, MONDO:0014138, OMIM 615348.

Submissions (2):

Dasa
Classification: Uncertain significance. Last evaluated: 2025-05-02. Review status: criteria provided, single submitter. Criteria: DASA Assertion Criteria. Collection method: clinical testing. Allele origin: germline.
Comment: NM_152393.4(KLHL40):c.1513G>A (p.Ala505Thr) is a missense variant that results in the substitution of alanine with threonine. This variant is absent from population databases. The currently available literature and clinical evidence are not sufficient to establish a definitive association between this variant and the reported condition. Therefore, this variant is classified as a variant of uncertain significance.

Labcorp Genetics (formerly Invitae), Labcorp
Classification: Uncertain significance for Nemaline myopathy 8. Last evaluated: 2022-03-01. Review status: criteria provided, single submitter. Criteria: Invitae Variant Classification Sherloc (09022015). Collection method: clinical testing. Allele origin: germline.
Comment: This sequence change replaces alanine, which is neutral and non-polar, with threonine, which is neutral and polar, at codon 505 of the KLHL40 protein (p.Ala505Thr). This variant is not present in population databases (gnomAD no frequency). This variant has not been reported in the literature in individuals affected with KLHL40-related conditions. Algorithms developed to predict the effect of missense changes on protein structure and function are either unavailable or do not agree on the potential impact of this missense change (SIFT: "Deleterious"; PolyPhen-2: "Benign"; Align-GVGD: "Class C0"). In summary, the available evidence is currently insufficient to determine the role of this variant in disease. Therefore, it has been classified as a Variant of Uncertain Significance.

NM_152393.4(KLHL40):c.1513G>A (p.Ala505Thr)

Gene: KLHL40 (kelch like family member 40; plus strand). Cytogenetic location: 3p22.1.
Variant type: single nucleotide variant.
Coding change: c.1513G>A on transcript NM_152393.4 (MANE Select); coding-DNA position 1513, G replaced by A.
Protein change: p.Ala505Thr; replaces alanine 505 with threonine.
Molecular consequence: missense variant.
Genome position (GRCh38, 1-based): chr3:42,688,960, G>A. VCF-style: chr3-42688960-G-A. GRCh37 (hg19) VCF-style: chr3-42730452-G-A.
Other names: short protein forms A505T.
Identifiers: ClinVar variation 2117571 (VCV002117571.3), dbSNP rs2471311982, ClinGen allele CA352294732.